The following is an entry in ClinVar:

ClinVar aggregate classification (germline): Pathogenic (1 of 4 stars; one submission).

Conditions:
Polycystic kidney disease, adult type (PKD1). Also called: Polycystic Kidney Disease 1, Autosomal Dominant; Polycystic kidney disease 1; Polycystic kidney disease 1, severe; Polycystic Kidney, Autosomal Dominant; POLYCYSTIC KIDNEY DISEASE 1 WITH OR WITHOUT POLYCYSTIC LIVER DISEASE; POLYCYSTIC KIDNEY DISEASE, ADULT, TYPE I. Identifiers: MedGen C3149841, MONDO:0008263, OMIM 173900.

Submission:

Victorian Clinical Genetics Services, Murdoch Childrens Research Institute
Classification: Pathogenic for Polycystic kidney disease, adult type. Last evaluated: 2020-05-26. Review status: criteria provided, single submitter. Criteria: ACMG Guidelines, 2015. Collection method: clinical testing. Allele origin: germline. Inheritance: Autosomal dominant inheritance.
Comment: Based on the classification scheme VCGS_Germline_v1.1.1, this variant is classified as pathogenic. Following criteria are met: 0102 - Loss-of-function is a known mechanism of disease for this gene. (N) 0107 - This gene is known to be associated with autosomal dominant disease. Disease is predominantly caused by monoallelic variants, with rare reports of bi-allelic variants causing disease. (N) 0205 - Variant is predicted to result in a truncated protein with less than 1/3 of the protein affected (exon 46 of 46). (P) 0251 - Variant is heterozygous. (N) 0301 - Variant is absent from gnomAD. (P) 0701 - Comparable variants have very strong previous evidence for pathogenicity. Multiple downstream variant, have been predicted to truncate the protein.(Decipher, PMID: 30333007). (P) 0807 - Variant has not previously been reported in a clinical context. (N) 0905 - No segregation evidence has been identified for this variant. (N) 1007 - No published functional evidence has been identified for this variant. (N) 1208 - Inheritance information for this variant is not currently available. (N) Legend: (P) - Pathogenic, (N) - Neutral, (B) - Benign

Literature cited by the submitters: PubMed 30333007.

NM_001009944.3(PKD1):c.12596_12612del (p.Val4199fs)

Gene: PKD1 (polycystin 1, transient receptor potential channel interacting; minus strand). Cytogenetic location: 16p13.3.
Variant type: Deletion.
Coding change: c.12596_12612del on transcript NM_001009944.3 (MANE Select); coding-DNA positions 12596 to 12612, 17 bases deleted (TGAGCCTGGGCCGGCTG).
Protein change: p.Val4199fs; shifts the reading frame from valine 4199.
Molecular consequence: frameshift variant.
Genome position (GRCh38, 1-based): chr16:2,090,027-2,090,043, CAGCCGGCCCAGGCTCA deleted on the plus strand (TGAGCCTGGGCCGGCTG on the coding strand, the reverse complement: PKD1 is on the minus strand); deleting any 17 consecutive bases within chr16:2,090,027-2,090,044 gives the same sequence; the c. name uses the placement nearest the transcript's 3' end. VCF-style (leftmost placement, unchanged base first): chr16-2090026-CCAGCCGGCCCAGGCTCA-C. GRCh37 (hg19) VCF-style: chr16-2140027-CCAGCCGGCCCAGGCTCA-C.
Other names: c.12593_12609del, p.Val4198fs (NM_000296.4); c.12595_12611del17, p.Val4199Glyfs (NM_001009944.2); short protein forms V4198fs, V4199fs.
Identifiers: ClinVar variation 1806035 (VCV001806035.1), dbSNP rs2544578714, ClinGen allele CA923726112.
Genomic context (GRCh38, chr16:2,090,026, plus strand): 5'-GGGTGAGCAGGGCCTCGAACACGGCTTGGAGGCGGGAGGGCTCAGGCTCACACCTTGTCC[CCAGCCGGCCCAGGCTCA>C]CGCTCAGCCCATCCAGCTGGCTGGAGGAGGTGGAGGGGTGCGAGGCATCGGAGCCAGCGC-3'